The following is an entry in ClinVar:

NM_015205.3(ATP11A):c.222C>T (p.Asn74=)

Gene: ATP11A (ATPase phospholipid transporting 11A; plus strand). Cytogenetic location: 13q34.
Variant type: single nucleotide variant.
Coding change: c.222C>T on transcript NM_015205.3 (MANE Select); coding-DNA position 222, C replaced by T.
Protein change: p.Asn74=; no amino-acid change (asparagine 74 retained).
Molecular consequence: synonymous variant.
Genome position (GRCh38, 1-based): chr13:112,805,016, C>T. VCF-style: chr13-112805016-C-T. GRCh37 (hg19) VCF-style: chr13-113459330-C-T.
Other names: c.222C>T, p.Asn74= (NM_001405661.1, NM_001405662.1, NM_001405663.1 and 1 more transcripts).
Identifiers: ClinVar variation 4990897 (VCV004990897.1).

ClinVar aggregate classification (germline): Uncertain significance (1 of 4 stars; one submission).

Conditions:
ATP11A-related disorder. Also called: ATP11A-related condition.

Submission:

PreventionGenetics, part of Exact Sciences
Classification: Uncertain significance for ATP11A-related condition. Last evaluated: 2026-05-09. Review status: criteria provided, single submitter. Criteria: ACMG Guidelines, 2015. Collection method: clinical testing. Allele origin: germline.
Comment: The ATP11A c.222C>T variant is not predicted to result in an amino acid change (p.=). This variant is predicted to alter splicing based on available splicing prediction software (SpliceAI, Jaganathan et al. 2019. PubMed ID: 30661751). However, the use of computer prediction software is not equivalent to functional evidence. To our knowledge, this variant has not been reported in the literature or in a large population database (gnomAD), indicating this variant is rare. At this time, the clinical significance of this variant is uncertain due to the absence of conclusive functional and genetic evidence.